The following is an entry in ClinVar:

ClinVar aggregate classification (germline): Conflicting classifications of pathogenicity. Review status: criteria provided, conflicting classifications (1 of 4 stars). 6 submissions from 5 submitters: Likely pathogenic (2); Uncertain significance (4). Last evaluated 2024-08-02.

Conditions:
Pontocerebellar hypoplasia type 9. Identifiers: Orphanet 369920, MedGen C4014354, MONDO:0014351, OMIM 615809.
Hereditary spastic paraplegia 63. Also called: Spastic paraplegia 63, autosomal recessive. Identifiers: Orphanet 401805, MedGen C3810295, MONDO:0014305, OMIM 615686.

Allele frequency attached by ClinVar (database versions not stated): ExAC 0.00001; gnomAD 0.00001; gnomAD exomes 0.00001; TOPMed 0.00001.
gnomAD v4.1: 8 of 1,613,770 alleles (0.0005%); highest among the groups gnomAD compares: Admixed American, 0.0067%; no homozygotes.

Submissions (6):

GeneDx
Classification: Likely pathogenic. Last evaluated: 2024-08-02. Review status: criteria provided, single submitter. Criteria: GeneDx Variant Classification Process June 2021. Collection method: clinical testing. Allele origin: germline. Affected: yes.
Comment: In silico analysis supports that this missense variant has a deleterious effect on protein structure/function; Not observed at significant frequency in large population cohorts (gnomAD); This variant is associated with the following publications: (PMID: 31833174, 32371413, 37789688)

Genome-Nilou Lab
Classification: Uncertain significance for Hereditary spastic paraplegia 63. Last evaluated: 2023-04-11. Review status: criteria provided, single submitter. Criteria: ACMG Guidelines, 2015. Collection method: clinical testing. Allele origin: germline. Affected: no.

Genome-Nilou Lab
Classification: Uncertain significance for Pontocerebellar hypoplasia type 9. Last evaluated: 2023-04-11. Review status: criteria provided, single submitter. Criteria: ACMG Guidelines, 2015. Collection method: clinical testing. Allele origin: germline. Affected: no.

Labcorp Genetics (formerly Invitae), Labcorp
Classification: Uncertain significance for Pontocerebellar hypoplasia type 9; Hereditary spastic paraplegia 63. Last evaluated: 2021-02-07. Review status: criteria provided, single submitter. Criteria: Invitae Variant Classification Sherloc (09022015). Collection method: clinical testing. Allele origin: germline.
Comment: This sequence change replaces proline with leucine at codon 734 of the AMPD2 protein (p.Pro734Leu). The proline residue is highly conserved and there is a moderate physicochemical difference between proline and leucine. This variant is present in population databases (rs761542502, ExAC 0.002%). This variant has been observed in individual(s) with pontocerebellar hypoplasia (PMID: 31833174). ClinVar contains an entry for this variant (Variation ID: 961257). Algorithms developed to predict the effect of missense changes on protein structure and function are either unavailable or do not agree on the potential impact of this missense change (SIFT: "Deleterious"; PolyPhen-2: "Probably Damaging"; Align-GVGD: "Class C0"). In summary, the available evidence is currently insufficient to determine the role of this variant in disease. Therefore, it has been classified as a Variant of Uncertain Significance.

Institute for Genomic Medicine (IGM) Clinical Laboratory, Nationwide Children's Hospital
Classification: Uncertain significance for Pontocerebellar hypoplasia type 9; Hereditary spastic paraplegia 63. Last evaluated: 2018-06-29. Review status: criteria provided, single submitter. Criteria: ACMG Guidelines, 2015. Collection method: clinical testing. Allele origin: germline. Affected: yes.
Comment: [ACMG/AMP: PM2, PP3] This alteration is absent from or rarely observed in large-scale population databases [PM2], is predicted to be damaging by multiple functional prediction tools [PP3].

Clinical Genetics Service, Universitary Hospital 12 de Octubre
Classification: Likely pathogenic for Pontocerebellar hypoplasia type 9. Review status: criteria provided, single submitter. Criteria: ACMG Guidelines, 2015. Collection method: clinical testing. Allele origin: germline. Affected: yes.

Literature cited by the submitters: PubMed 31833174 (cited by Labcorp Genetics (formerly Invitae), Labcorp).

NM_001368809.2(AMPD2):c.2039C>T (p.Pro680Leu)

Gene: AMPD2 (adenosine monophosphate deaminase 2; plus strand). Cytogenetic location: 1p13.3.
Variant type: single nucleotide variant.
Coding change: c.2039C>T on transcript NM_001368809.2 (MANE Select); coding-DNA position 2039, C replaced by T.
Protein change: p.Pro680Leu; replaces proline 680 with leucine.
Molecular consequence: missense variant.
Genome position (GRCh38, 1-based): chr1:109,630,288, C>T. VCF-style: chr1-109630288-C-T. GRCh37 (hg19) VCF-style: chr1-110172910-C-T.
Other names: c.1847C>T, p.Pro616Leu (NM_001257361.2); c.1976C>T, p.Pro659Leu (NM_001308170.1); c.2039C>T, p.Pro680Leu (NM_004037.9); c.1958C>T, p.Pro653Leu (NM_139156.4); c.2201C>T (NM_001257360.1, NM_004037.7); short protein forms P653L, P659L, P680L, P616L.
Identifiers: ClinVar variation 961257 (VCV000961257.17), dbSNP rs761542502, ClinGen allele CA993269.
Genomic context (GRCh38, chr1:109,630,288, plus strand): 5'-CCCAGGCCCCCGTCCTGCAGTACCTGTACTACCTGGCCCAGATCGGCATCGCCATGTCTC[C>T]GCTCAGCAACAACAGCCTCTTCCTCAGCTATCACCGGAATCCGCTACCGGAGTACCTGTC-3'
Protein context (NP_001355738.1, residues 670-690): YLAQIGIAMS[Pro680Leu]LSNNSLFLSY